The following is an entry in ClinVar:

ClinVar aggregate classification (germline): Uncertain significance (1 of 4 stars; one submission).

Conditions:
Charcot-Marie-Tooth disease type 2. Also called: Charcot-Marie-Tooth type 2. Identifiers: Orphanet 64746, MedGen C0270914, MONDO:0018993.

Submission:

Labcorp Genetics (formerly Invitae), Labcorp
Classification: Uncertain significance for Charcot-Marie-Tooth disease type 2. Last evaluated: 2022-09-27. Review status: criteria provided, single submitter. Criteria: Invitae Variant Classification Sherloc (09022015). Collection method: clinical testing. Allele origin: germline.
Comment: In summary, the available evidence is currently insufficient to determine the role of this variant in disease. Therefore, it has been classified as a Variant of Uncertain Significance. This variant has not been reported in the literature in individuals affected with AARS-related conditions. Algorithms developed to predict the effect of missense changes on protein structure and function are either unavailable or do not agree on the potential impact of this missense change (SIFT: "Tolerated"; PolyPhen-2: "Possibly Damaging"; Align-GVGD: "Class C0"). This variant is not present in population databases (gnomAD no frequency). This sequence change replaces alanine, which is neutral and non-polar, with valine, which is neutral and non-polar, at codon 143 of the AARS protein (p.Ala143Val).

NM_001605.3(AARS1):c.428C>T (p.Ala143Val)

Gene: AARS1 (alanyl-tRNA synthetase 1; minus strand). Cytogenetic location: 16q22.1.
Variant type: single nucleotide variant.
Coding change: c.428C>T on transcript NM_001605.3 (MANE Select); coding-DNA position 428, C replaced by T.
Protein change: p.Ala143Val; replaces alanine 143 with valine.
Molecular consequence: missense variant.
Genome position (GRCh38, 1-based): chr16:70,276,537, G>A on the plus strand (C>T on the coding strand, the complement: AARS1 is on the minus strand). VCF-style: chr16-70276537-G-A. GRCh37 (hg19) VCF-style: chr16-70310440-G-A.
Other names: short protein forms A143V.
Identifiers: ClinVar variation 2032741 (VCV002032741.4), dbSNP rs1315087937, ClinGen allele CA396568726.